The following is an entry in ClinVar:

NC_012920.1(MT-ATP8):m.8540T>C

Genes: MT-ATP8 (mitochondrially encoded ATP synthase 8; plus strand), MT-ATP6 (mitochondrially encoded ATP synthase 6; plus strand).
Variant type: single nucleotide variant.
Genome position: chrM-8540-T-C.
Identifiers: ClinVar variation 235227 (VCV000235227.4), dbSNP rs878852987, ClinGen allele CA10581248.

ClinVar aggregate classification (germline): Uncertain significance. Review status: criteria provided, multiple submitters, no conflicts (2 of 4 stars). 2 submissions from 2 submitters: Uncertain significance (2). Last evaluated 2019-10-17.

Conditions:
Leigh syndrome (NULS). Also called: Leigh Syndrome (mtDNA deletion); Leigh's syndrome; LEIGH SYNDROME, NUCLEAR; Leigh Disease; Subacute necrotizing encephalopathy; Necrotizing encephalopathy infantile subacute of Leigh. Identifiers: Orphanet 506, MedGen C2931891, MONDO:0009723, OMIM 256000.

Submissions (2):

Wong Mito Lab, Molecular and Human Genetics, Baylor College of Medicine
Classification: Uncertain significance for Leigh syndrome. Last evaluated: 2019-10-17. Review status: criteria provided, single submitter. Criteria: Modified ACMG Guidelines (Unpublished). Collection method: clinical testing. Allele origin: germline.
Comment: The NC_012920.1:m.8540T>C (YP_003024031.1:p.Leu5Pro) variant in MTATP6 gene ( also (YP_003024030.1:p.Cys59Arg) variant in MTATP8 gene ) is interpretated to be a Uncertain Significance variant based on the modified ACMG guidelines (unpublished). This variant meets the following evidence codes: PP3

Center for Pediatric Genomic Medicine, Children's Mercy Hospital and Clinics
Classification: Uncertain significance. Last evaluated: 2016-01-11. Review status: criteria provided, single submitter. Criteria: ACMG Guidelines, 2015. Collection method: clinical testing. Allele origin: germline.
ClinVar note: Converted during submission from Uncertain Significance to Uncertain significance.